The following is an entry in ClinVar:

ClinVar aggregate classification (germline): Likely pathogenic. Review status: criteria provided, multiple submitters, no conflicts (2 of 4 stars). 2 submissions from 2 submitters: Likely pathogenic (2). Last evaluated 2024-10-14.

Conditions:
Pendred syndrome (PDS). Also called: THYROID DYSHORMONOGENESIS 2B; THYROID HORMONOGENESIS, GENETIC DEFECT IN, 2B; DEAFNESS WITH GOITER; GOITER-DEAFNESS SYNDROME; Pendred Syndrome (PDS); HYPOTHYROIDISM, CONGENITAL, DUE TO DYSHORMONOGENESIS, 2B. Identifiers: Orphanet 705, MedGen C0271829, MONDO:0010134, OMIM 274600.

Submissions (2):

Labcorp Genetics (formerly Invitae), Labcorp
Classification: Likely pathogenic. Last evaluated: 2024-10-14. Review status: criteria provided, single submitter. Criteria: Invitae Variant Classification Sherloc (09022015). Collection method: clinical testing. Allele origin: germline.
Comment: This sequence change replaces alanine, which is neutral and non-polar, with threonine, which is neutral and polar, at codon 411 of the SLC26A4 protein (p.Ala411Thr). This variant is not present in population databases (gnomAD no frequency). This missense change has been observed in individual(s) with SLC26A4-related conditions (PMID: 17125574). ClinVar contains an entry for this variant (Variation ID: 1804681). Invitae Evidence Modeling of protein sequence and biophysical properties (such as structural, functional, and spatial information, amino acid conservation, physicochemical variation, residue mobility, and thermodynamic stability) indicates that this missense variant is expected to disrupt SLC26A4 protein function with a positive predictive value of 80%. This variant disrupts the p.Ala411 amino acid residue in SLC26A4. Other variant(s) that disrupt this residue have been determined to be pathogenic (PMID: 11375792; internal data). This suggests that this residue is clinically significant, and that variants that disrupt this residue are likely to be disease-causing. In summary, the currently available evidence indicates that the variant is pathogenic, but additional data are needed to prove that conclusively. Therefore, this variant has been classified as Likely Pathogenic.

Women's Health and Genetics/Laboratory Corporation of America, LabCorp
Classification: Likely pathogenic for Pendred syndrome. Last evaluated: 2022-11-15. Review status: criteria provided, single submitter. Criteria: LabCorp Variant Classification Summary - May 2015. Collection method: clinical testing. Allele origin: germline.
Comment: Variant summary: SLC26A4 c.1231G>A (p.Ala411Thr) results in a non-conservative amino acid change located in the SLC26A/SulP transporter domain (IPR011547) of the encoded protein sequence. This amino acid is locaded in a mutational hot spot in which other pathogenic/likely pathogenic variants are found, including one affecting the same nucleotide (c.1231G>C, p.Ala411Pro) and p.Ala411Thr is predicted by computational modeling to alter the protein structure (Bassot_2017, Rapp_2017). Four of five in-silico tools predict a damaging effect of the variant on protein function. The variant was absent in 250828 control chromosomes. The available data on variant occurrences in the general population are insufficient to allow any conclusion about variant significance. c.1231G>A has been reported in the literature in an individual affected with Hearing loss with dilation of vestibular aqueduct (Courtmans_2007), and this individual was reported as compound heterozygous, carrying another pathogenic variant. These data indicate that the variant may be associated with disease. To our knowledge, no experimental evidence demonstrating an impact on protein function has been reported. Two clinical diagnostic laboratories have submitted clinical-significance assessments for this variant to ClinVar after 2014 without evidence for independent evaluation, and both classified the variant as pathogenic/likely pathogenic. Based on the evidence outlined above, the variant was classified as likely pathogenic.

Literature cited by the submitters: PubMed 17125574 (cited by Labcorp Genetics (formerly Invitae), Labcorp and Women's Health and Genetics/Laboratory Corporation of America, LabCorp); PubMed 11375792 (cited by Labcorp Genetics (formerly Invitae), Labcorp); PubMed 28941661 (cited by Women's Health and Genetics/Laboratory Corporation of America, LabCorp); PubMed 27771369 (cited by Women's Health and Genetics/Laboratory Corporation of America, LabCorp).

NM_000441.2(SLC26A4):c.1231G>A (p.Ala411Thr)

Gene: SLC26A4 (solute carrier family 26 member 4; plus strand). Cytogenetic location: 7q22.3.
Variant type: single nucleotide variant.
Coding change: c.1231G>A on transcript NM_000441.2 (MANE Select); coding-DNA position 1231, G replaced by A.
Protein change: p.Ala411Thr; replaces alanine 411 with threonine.
Molecular consequence: missense variant.
Genome position (GRCh38, 1-based): chr7:107,690,205, G>A. VCF-style: chr7-107690205-G-A. GRCh37 (hg19) VCF-style: chr7-107330650-G-A.
Other names: short protein forms A411T.
Identifiers: ClinVar variation 1804681 (VCV001804681.3), dbSNP rs1293971731, ClinGen allele CA368839273.